The following is an entry in ClinVar:

NM_006231.4(POLE):c.-12_-3delinsA

Genes: POLE (DNA polymerase epsilon, catalytic subunit; minus strand), LOC130009266 (ATAC-STARR-seq lymphoblastoid silent region 5123; plus strand). Cytogenetic location: 12q24.33.
Variant type: Indel.
Coding change: c.-12_-3delinsA on transcript NM_006231.4 (MANE Select); 12 bases upstream of the start codon through 3 bases upstream of the start codon, GCCAACGGCT replaced by A.
Molecular consequence: 5 prime UTR variant.
Genome position (GRCh38, 1-based): chr12:132,687,318-132,687,327, AGCCGTTGGC replaced by T on the plus strand (GCCAACGGCT replaced by A on the coding strand, the reverse complement: POLE is on the minus strand). VCF-style: chr12-132687318-AGCCGTTGGC-T. GRCh37 (hg19) VCF-style: chr12-133263904-AGCCGTTGGC-T.
Identifiers: ClinVar variation 4831432 (VCV004831432.1).

ClinVar aggregate classification (germline): Uncertain significance (1 of 4 stars; one submission).

Conditions:
Hereditary cancer-predisposing syndrome. Also called: Neoplastic Syndromes, Hereditary; Tumor predisposition; Hereditary Cancer Syndrome; Hereditary neoplastic syndrome. Identifiers: Orphanet 140162, MedGen C0027672, MeSH D009386, MONDO:0015356.

Submission:

Ambry Genetics
Classification: Uncertain significance for Hereditary cancer-predisposing syndrome. Last evaluated: 2026-01-08. Review status: criteria provided, single submitter. Criteria: Ambry Variant Classification Scheme 2023. Collection method: clinical testing. Allele origin: germline.
Comment: The c.-12_-3delGCCAACGGCTinsA variant, located in in the 5' untranslated region (5&rsquo;UTR) of the POLE gene, results from the deletion of 10 nucleotides and the insertion of one nucleotide at positions -12 and -3 upstream of the start codon. This nucleotide region is not well conserved in available vertebrate species. Based on the available evidence, the clinical significance of this variant remains unclear.